The following is an entry in ClinVar:

NM_173648.4(CCDC141):c.3822T>A (p.Asp1274Glu)

Gene: CCDC141 (coiled-coil domain containing 141; minus strand). Cytogenetic location: 2q31.2.
Variant type: single nucleotide variant.
Coding change: c.3822T>A on transcript NM_173648.4 (MANE Select); coding-DNA position 3822, T replaced by A.
Protein change: p.Asp1274Glu; replaces aspartic acid 1274 with glutamic acid.
Molecular consequence: missense variant.
Genome position (GRCh38, 1-based): chr2:178,837,397, A>T on the plus strand (T>A on the coding strand, the complement: CCDC141 is on the minus strand). VCF-style: chr2-178837397-A-T. GRCh37 (hg19) VCF-style: chr2-179702124-A-T.
Other names: short protein forms D1274E.
Identifiers: ClinVar variation 2140455 (VCV002140455.4), dbSNP rs200623862, ClinGen allele CA2006619.

ClinVar aggregate classification (germline): Uncertain significance (1 of 4 stars; one submission).

Allele frequency attached by ClinVar (database versions not stated): ESP Exome Variant Server 0.00008; ExAC 0.00010; TOPMed 0.00010; gnomAD exomes 0.00014; 1000 Genomes Project 30x 0.00031.
gnomAD v4.1: 211 of 1,614,122 alleles (0.013%); highest among the groups gnomAD compares: Non-Finnish European, 0.017%; no homozygotes.

Submission:

Labcorp Genetics (formerly Invitae), Labcorp
Classification: Uncertain significance. Last evaluated: 2024-12-18. Review status: criteria provided, single submitter. Criteria: Invitae Variant Classification Sherloc (09022015). Collection method: clinical testing. Allele origin: germline.
Comment: This sequence change replaces aspartic acid, which is acidic and polar, with glutamic acid, which is acidic and polar, at codon 1274 of the CCDC141 protein (p.Asp1274Glu). This variant is present in population databases (rs200623862, gnomAD 0.02%). This variant has not been reported in the literature in individuals affected with CCDC141-related conditions. ClinVar contains an entry for this variant (Variation ID: 2140455). An algorithm developed to predict the effect of missense changes on protein structure and function (PolyPhen-2) suggests that this variant is likely to be disruptive. In summary, the available evidence is currently insufficient to determine the role of this variant in disease. Therefore, it has been classified as a Variant of Uncertain Significance.